The following is an entry in ClinVar:

ClinVar aggregate classification (germline): Pathogenic. Review status: criteria provided, multiple submitters, no conflicts (2 of 4 stars). 6 submissions from 6 submitters: Pathogenic (6). Last evaluated 2026-02-10.

Conditions:
Progressive muscular dystrophy. Identifiers: Orphanet 206644, MedGen C4551827, MONDO:0016106.
DMD-related disorder. Also called: DMD-related condition.
Duchenne muscular dystrophy (DMD). Also called: MUSCULAR DYSTROPHY, PSEUDOHYPERTROPHIC PROGRESSIVE, DUCHENNE TYPE; Duchenne Muscular Dystrophy (DMD). Identifiers: Orphanet 98896, MedGen C0013264, MONDO:0010679, OMIM 310200.

Submissions (6):

Myriad Genetics, Inc.
Classification: Pathogenic for Progressive muscular dystrophy. Last evaluated: 2026-02-10. Review status: criteria provided, single submitter. Criteria: Myriad Autosomal Dominant, Autosomal Recessive and X-Linked Classification Criteria (2023). Collection method: clinical testing. Allele origin: unknown.
Comment: NM_004006.2(DMD):c.2650C>T(Q884*) is a nonsense variant classified as pathogenic in the context of dystrophinopathy (including Duchenne/Becker muscular dystrophy). Q884* has been observed in cases with relevant disease (PMID: 17041906, 17726484). Relevant functional assessments of this variant are not available in the literature. Q884* has not been observed in referenced population frequency databases. In summary, NM_004006.2(DMD):c.2650C>T(Q884*) is a nonsense variant in a gene where loss of function is a known mechanism of disease, is predicted to disrupt protein function, and has been observed more frequently in cases with the relevant disease than in healthy populations. Please note: this variant was assessed in the context of healthy population screening.

Labcorp Genetics (formerly Invitae), Labcorp
Classification: Pathogenic for Duchenne muscular dystrophy. Last evaluated: 2025-06-04. Review status: criteria provided, single submitter. Criteria: Invitae Variant Classification Sherloc (09022015). Collection method: clinical testing. Allele origin: germline.
Comment: This sequence change creates a premature translational stop signal (p.Gln884*) in the DMD gene. It is expected to result in an absent or disrupted protein product. Loss-of-function variants in DMD are known to be pathogenic (PMID: 16770791, 25007885). This variant is not present in population databases (gnomAD no frequency). This premature translational stop signal has been observed in individuals with Duchenne muscular dystrophy (PMID: 17041906, 17726484). ClinVar contains an entry for this variant (Variation ID: 94530). For these reasons, this variant has been classified as Pathogenic.

Blueprint Genetics
Classification: Pathogenic for DMD-related disorders. Last evaluated: 2024-06-24. Review status: criteria provided, single submitter. Criteria: ACMG Guidelines, 2015. Collection method: clinical testing. Allele origin: germline. Affected: yes. Observed: 2 variant alleles.

Revvity Omics, Revvity
Classification: Pathogenic. Last evaluated: 2022-05-09. Review status: criteria provided, single submitter. Criteria: ACMG Guidelines, 2015. Collection method: clinical testing. Allele origin: germline.

Athena Diagnostics
Classification: Pathogenic. Last evaluated: 2017-05-03. Review status: criteria provided, single submitter. Criteria: Athena Diagnostics Criteria. Collection method: clinical testing. Allele origin: germline.

Eurofins Ntd Llc (ga)
Classification: Pathogenic. Last evaluated: 2015-05-22. Review status: criteria provided, single submitter. Criteria: EGL Classification Definitions 2015. Collection method: clinical testing. Allele origin: germline. Observed: 2 variant alleles, 2 hemizygotes.

Literature cited by the submitters: PubMed 17041906 (cited by 4 submitters); PubMed 17726484 (cited by 3 submitters); PubMed 16770791 (cited by Labcorp Genetics (formerly Invitae), Labcorp); PubMed 25007885 (cited by Labcorp Genetics (formerly Invitae), Labcorp).

NM_004006.3(DMD):c.2650C>T (p.Gln884Ter)

Gene: DMD (dystrophin; minus strand). Cytogenetic location: Xp21.1.
Variant type: single nucleotide variant.
Coding change: c.2650C>T on transcript NM_004006.3 (MANE Select); coding-DNA position 2650, C replaced by T.
Protein change: p.Gln884Ter; replaces glutamine 884 with a stop codon.
Molecular consequence: nonsense.
Genome position (GRCh38, 1-based): chrX:32,485,072, G>A on the plus strand (C>T on the coding strand, the complement: DMD is on the minus strand). VCF-style: chrX-32485072-G-A. GRCh37 (hg19) VCF-style: chrX-32503189-G-A.
Other names: NP_003997.1:p.Gln884*; c.2626C>T, p.Gln876Ter (NM_000109.4); c.2638C>T, p.Gln880Ter (NM_004009.3); c.2281C>T, p.Gln761Ter (NM_004010.3); short protein forms Q884*, Q880*, Q876*, Q761*.
Identifiers: ClinVar variation 94530 (VCV000094530.20), dbSNP rs398123903, ClinGen allele CA266949.